The following is an entry in ClinVar:

NM_017649.5(CNNM2):c.1528C>T (p.Pro510Ser)

Gene: CNNM2 (cyclin and CBS domain divalent metal cation transport mediator 2; plus strand). Cytogenetic location: 10q24.32.
Variant type: single nucleotide variant.
Coding change: c.1528C>T on transcript NM_017649.5 (MANE Select); coding-DNA position 1528, C replaced by T.
Protein change: p.Pro510Ser; replaces proline 510 with serine.
Molecular consequence: missense variant.
Genome position (GRCh38, 1-based): chr10:102,920,008, C>T. VCF-style: chr10-102920008-C-T. GRCh37 (hg19) VCF-style: chr10-104679765-C-T.
Other names: c.1528C>T, p.Pro510Ser (NM_199076.3, NM_199077.3); short protein forms P510S.
Identifiers: ClinVar variation 1395222 (VCV001395222.7), dbSNP rs766784112, ClinGen allele CA5670384.

ClinVar aggregate classification (germline): Uncertain significance. Review status: criteria provided, multiple submitters, no conflicts (2 of 4 stars). 2 submissions from 2 submitters: Uncertain significance (2). Last evaluated 2024-03-02.

Conditions:
Hypomagnesemia, seizures, and impaired intellectual development 1. Also called: Hypomagnesemia, seizures, and intellectual disability 1. Identifiers: Orphanet 34527, MedGen C4225333, MONDO:0020787, OMIM 616418.
Renal hypomagnesemia 6. Identifiers: Orphanet 34527, MedGen C3151295, MONDO:0013480, OMIM 613882.

Allele frequency attached by ClinVar (database versions not stated): gnomAD exomes below 0.00001; TOPMed below 0.00001; ExAC 0.00001; gnomAD 0.00002.
gnomAD v4.1: 5 of 1,614,078 alleles (0.00031%); highest among the groups gnomAD compares: Admixed American, 0.0017%; no homozygotes.

Submissions (2):

Fulgent Genetics
Classification: Uncertain significance for Renal hypomagnesemia 6; Hypomagnesemia, seizures, and impaired intellectual development 1. Last evaluated: 2024-03-02. Review status: criteria provided, single submitter. Criteria: ACMG Guidelines, 2015. Collection method: clinical testing. Allele origin: germline.

Labcorp Genetics (formerly Invitae), Labcorp
Classification: Uncertain significance. Last evaluated: 2022-03-18. Review status: criteria provided, single submitter. Criteria: Invitae Variant Classification Sherloc (09022015). Collection method: clinical testing. Allele origin: germline.
Comment: This sequence change replaces proline, which is neutral and non-polar, with serine, which is neutral and polar, at codon 510 of the CNNM2 protein (p.Pro510Ser). This variant is present in population databases (rs766784112, gnomAD 0.0009%). This variant has not been reported in the literature in individuals affected with CNNM2-related conditions. Algorithms developed to predict the effect of missense changes on protein structure and function (SIFT, PolyPhen-2, Align-GVGD) all suggest that this variant is likely to be tolerated. In summary, the available evidence is currently insufficient to determine the role of this variant in disease. Therefore, it has been classified as a Variant of Uncertain Significance.